The following is an entry in ClinVar:

ClinVar aggregate classification (germline): Uncertain significance (1 of 4 stars; one submission).

gnomAD v4.1: 6 of 1,610,320 alleles (0.00037%); highest among the groups gnomAD compares: African/African-American, 0.0013%; no homozygotes.

Submission:

Greenwood Genetic Center Diagnostic Laboratories, Greenwood Genetic Center
Classification: Uncertain significance. Last evaluated: 2026-06-16. Review status: criteria provided, single submitter. Criteria: ACMG Guidelines, 2015. Collection method: clinical testing. Allele origin: germline.
Comment: PM2, PP2, PP3

NM_001378457.1(DMXL2):c.2378A>G (p.Tyr793Cys)

Gene: DMXL2 (Dmx like 2; minus strand). Cytogenetic location: 15q21.2.
Variant type: single nucleotide variant.
Coding change: c.2378A>G on transcript NM_001378457.1 (MANE Select); coding-DNA position 2378, A replaced by G.
Protein change: p.Tyr793Cys; replaces tyrosine 793 with cysteine.
Molecular consequence: missense variant. On other transcripts: non-coding transcript variant (2).
Genome position (GRCh38, 1-based): chr15:51,535,721, T>C on the plus strand (A>G on the coding strand, the complement: DMXL2 is on the minus strand). VCF-style: chr15-51535721-T-C. GRCh37 (hg19) VCF-style: chr15-51827918-T-C.
Other names: c.2378A>G, p.Tyr793Cys (NM_001174116.3, NM_001174117.3, NM_001378458.1 and 6 more transcripts); c.2138A>G, p.Tyr713Cys (NM_001378464.1); short protein forms Y713C, Y793C.
Identifiers: ClinVar variation 4891149 (VCV004891149.1).